The following is an entry in ClinVar:

NM_000135.4(FANCA):c.2165T>G (p.Leu722Arg)

Gene: FANCA (FA complementation group A; minus strand). Cytogenetic location: 16q24.3.
Variant type: single nucleotide variant.
Coding change: c.2165T>G on transcript NM_000135.4 (MANE Select); coding-DNA position 2165, T replaced by G.
Protein change: p.Leu722Arg; replaces leucine 722 with arginine.
Molecular consequence: missense variant.
Genome position (GRCh38, 1-based): chr16:89,770,621, A>C on the plus strand (T>G on the coding strand, the complement: FANCA is on the minus strand). VCF-style: chr16-89770621-A-C. GRCh37 (hg19) VCF-style: chr16-89837029-A-C.
Other names: c.2165T>G, p.Leu722Arg (NM_001286167.3); short protein forms L722R.
Identifiers: ClinVar variation 4254266 (VCV004254266.1).
Genomic context (GRCh38, chr16:89,770,621, plus strand): 5'-CACCTCTCCGGGGGAGCGACACTGGAGGCAGCCATCAGGTTCTGACAGAAAGACGTCAGC[A>C]GGAGGTCCACAGCCTGCAGAGACACAGTTCTCATGAGCGTGGTGTCCTGGGGACGGGAGC-3'
Protein context (NP_000126.2, residues 712-732): EPREHMAVDL[Leu722Arg]LTSFCQNLMA

ClinVar aggregate classification (germline): Uncertain significance (1 of 4 stars; one submission).

Conditions:
Inborn genetic diseases. Identifiers: MedGen C0950123, MeSH D030342.

Submission:

Ambry Genetics
Classification: Uncertain significance for Inborn genetic diseases. Last evaluated: 2025-08-07. Review status: criteria provided, single submitter. Criteria: Ambry Variant Classification Scheme 2023. Collection method: clinical testing. Allele origin: germline.
Comment: The p.L722R variant (also known as c.2165T>G), located in coding exon 24 of the FANCA gene, results from a T to G substitution at nucleotide position 2165. The leucine at codon 722 is replaced by arginine, an amino acid with dissimilar properties. This amino acid position is conserved. In addition, this alteration is predicted to be deleterious by in silico analysis. Based on the available evidence, the clinical significance of this variant remains unclear.